The following is an entry in ClinVar:

NM_001369268.1(ACAN):c.4525C>T (p.Leu1509Phe)

Gene: ACAN (aggrecan; plus strand). Cytogenetic location: 15q26.1.
Variant type: single nucleotide variant.
Coding change: c.4525C>T on transcript NM_001369268.1 (MANE Select); coding-DNA position 4525, C replaced by T.
Protein change: p.Leu1509Phe; replaces leucine 1509 with phenylalanine.
Molecular consequence: missense variant.
Genome position (GRCh38, 1-based): chr15:88,857,110, C>T. VCF-style: chr15-88857110-C-T. GRCh37 (hg19) VCF-style: chr15-89400341-C-T.
Other names: c.4525C>T, p.Leu1509Phe (NM_001135.4, NM_001411096.1, NM_001411097.1 and 1 more transcripts); short protein forms L1509F.
Identifiers: ClinVar variation 2645677 (VCV002645677.25), dbSNP rs200479865, ClinGen allele CA7720068.

ClinVar aggregate classification (germline): Likely benign. Review status: criteria provided, multiple submitters, no conflicts (2 of 4 stars). 3 submissions from 3 submitters: Likely benign (3). Last evaluated 2026-05-01.

Conditions:
Spondyloepiphyseal dysplasia, Kimberley type. Identifiers: Orphanet 93283, MedGen C1842149, MONDO:0012019, OMIM 608361.

Allele frequency attached by ClinVar (database versions not stated): 1000 Genomes Project 0.00020; 1000 Genomes Project 30x 0.00047; TOPMed 0.00199; gnomAD 0.00214; ExAC 0.00220; ESP Exome Variant Server 0.00268; gnomAD exomes 0.00324.
gnomAD v4.1: 4,973 of 1,607,036 alleles (0.31%); highest among the groups gnomAD compares: Non-Finnish European, 0.37%; 9 homozygotes.

Submissions (3):

CeGaT Center for Human Genetics Tuebingen
Classification: Likely benign. Last evaluated: 2026-05-01. Review status: criteria provided, single submitter. Criteria: CeGaT Center For Human Genetics Tuebingen Variant Classification Criteria Version 2. Collection method: clinical testing. Allele origin: germline. Affected: yes. Observed: 3 variant alleles.
Comment: ACAN: BS2

Blueprint Genetics
Classification: Likely benign. Last evaluated: 2024-11-27. Review status: criteria provided, single submitter. Criteria: ACMG Guidelines, 2015. Collection method: clinical testing. Allele origin: germline.

Molecular Genetics, Royal Melbourne Hospital
Classification: Likely benign for Spondyloepiphyseal dysplasia, Kimberley type. Last evaluated: 2023-05-04. Review status: criteria provided, single submitter. Criteria: ACMG Guidelines, 2015. Collection method: clinical testing. Allele origin: germline. Affected: yes.
Comment: European Non-Finnish population allele frequency is 0.3279% (rs200479865, 421/128,406 alleles, 2 homozygotes in gnomAD v2.1). Based on the classification scheme RMH Modified ACMG/AMP Guidelines v1.5.1, this variant is classified as LIKELY BENIGN. Following criteria are met: BS1